The following is an entry in ClinVar:

ClinVar aggregate classification (germline): Uncertain significance (1 of 4 stars; one submission).

Allele frequency attached by ClinVar (database versions not stated): gnomAD exomes 0.00002; ESP Exome Variant Server 0.00008.
gnomAD v4.1: 29 of 1,567,164 alleles (0.0019%); highest among the groups gnomAD compares: Non-Finnish European, 0.0023%; no homozygotes.

Submission:

CeGaT Center for Human Genetics Tuebingen
Classification: Uncertain significance. Last evaluated: 2023-03-01. Review status: criteria provided, single submitter. Criteria: CeGaT Center For Human Genetics Tuebingen Variant Classification Criteria Version 2. Collection method: clinical testing. Allele origin: germline. Affected: yes. Observed: 1 variant allele.
Comment: KMT5B: PM2, BP4

NM_017635.5(KMT5B):c.1184G>A (p.Arg395Gln)

Gene: KMT5B (lysine methyltransferase 5B; minus strand). Cytogenetic location: 11q13.2.
Variant type: single nucleotide variant.
Coding change: c.1184G>A on transcript NM_017635.5 (MANE Select); coding-DNA position 1184, G replaced by A.
Protein change: p.Arg395Gln; replaces arginine 395 with glutamine.
Molecular consequence: missense variant.
Genome position (GRCh38, 1-based): chr11:68,159,162, C>T on the plus strand (G>A on the coding strand, the complement: KMT5B is on the minus strand). VCF-style: chr11-68159162-C-T. GRCh37 (hg19) VCF-style: chr11-67926629-C-T.
Other names: c.668G>A, p.Arg223Gln (NM_001300907.1, NM_001369428.1, NM_001369429.1 and 4 more transcripts); c.464G>A, p.Arg155Gln (NM_001300908.2); c.1184G>A, p.Arg395Gln (NM_001369426.1); short protein forms R155Q, R223Q, R395Q.
Identifiers: ClinVar variation 2642037 (VCV002642037.24), dbSNP rs142141344, ClinGen allele CA224249597.